The following is an entry in ClinVar:

NC_000016.9:g.(?_87636753)_(88808850_?)del

Genes: KLHDC4 (kelch domain containing 4; minus strand), MVD (mevalonate diphosphate decarboxylase; minus strand), PIEZO1 (piezo type mechanosensitive ion channel component 1 (Er blood group); minus strand), RNF166 (ring finger protein 166; minus strand), IL17C (interleukin 17C; plus strand) and 10 more. Cytogenetic location: 16q24.2-24.3.
Variant type: Deletion.
Identifiers: ClinVar variation 3243615 (VCV003243615.1).

ClinVar aggregate classification (germline): Uncertain significance (1 of 4 stars; one submission).

Submission:

Labcorp Genetics (formerly Invitae), Labcorp
Classification: Uncertain significance. Last evaluated: 2023-11-25. Review status: criteria provided, single submitter. Criteria: Invitae Variant Classification Sherloc (09022015). Collection method: clinical testing. Allele origin: unknown.
Comment: This variant is a gross deletion of the genomic region encompassing exon(s) 3-51 of the PIEZO1 gene, which includes the termination codon. This deletion extends beyond the assayed region for this gene and therefore may encompass additional genes. While this deletion is not anticipated to lead to nonsense mediated decay, it is expected to alter mRNA translation or result in a truncated protein product. This variant has not been reported in the literature in individuals affected with PIEZO1-related conditions. Experimental studies and prediction algorithms are not available or were not evaluated, and the functional significance of this variant is currently unknown. In summary, the available evidence is currently insufficient to determine the role of this variant in disease. Therefore, it has been classified as a Variant of Uncertain Significance.